The following is an entry in ClinVar:

NM_000302.4(PLOD1):c.2173G>C (p.Val725Leu)

Gene: PLOD1 (procollagen-lysine,2-oxoglutarate 5-dioxygenase 1; plus strand). Cytogenetic location: 1p36.22.
Variant type: single nucleotide variant.
Coding change: c.2173G>C on transcript NM_000302.4 (MANE Select); coding-DNA position 2173, G replaced by C.
Protein change: p.Val725Leu; replaces valine 725 with leucine.
Molecular consequence: missense variant.
Genome position (GRCh38, 1-based): chr1:11,974,797, G>C. VCF-style: chr1-11974797-G-C. GRCh37 (hg19) VCF-style: chr1-12034854-G-C.
Other names: c.2314G>C, p.Val772Leu (NM_001316320.2); short protein forms V725L, V772L.
Identifiers: ClinVar variation 834191 (VCV000834191.8), dbSNP rs151247380, ClinGen allele CA598693.

ClinVar aggregate classification (germline): Uncertain significance. Review status: criteria provided, multiple submitters, no conflicts (2 of 4 stars). 2 submissions from 2 submitters: Uncertain significance (2). Last evaluated 2024-05-20.

Conditions:
Familial thoracic aortic aneurysm and aortic dissection (TAAD). Also called: Thoracic aortic aneurysms and dissections. Identifiers: Orphanet 91387, MedGen C4707243, MONDO:0019625.
Ehlers-Danlos syndrome, kyphoscoliotic type 1 (EDSKSCL1). Also called: PLOD1-Related Kyphoscoliotic Ehlers-Danlos Syndrome; Ehlers-Danlos syndrome, hydroxylysine-deficient; EHLERS-DANLOS SYNDROME, TYPE VIA; EHLERS-DANLOS SYNDROME, OCULAR-SCOLIOTIC TYPE. Identifiers: Orphanet 1900, MedGen C0268342, MONDO:0016002, OMIM 225400. Disease mechanism: loss of function.

Allele frequency attached by ClinVar (database versions not stated): TOPMed 0.00003.
gnomAD v4.1: 20 of 1,614,022 alleles (0.0012%); highest among the groups gnomAD compares: African/African-American, 0.0027%; no homozygotes.

Submissions (2):

Ambry Genetics
Classification: Uncertain significance for Familial thoracic aortic aneurysm and aortic dissection. Last evaluated: 2024-05-20. Review status: criteria provided, single submitter. Criteria: Ambry Variant Classification Scheme 2023. Collection method: clinical testing. Allele origin: germline.
Comment: The p.V725L variant (also known as c.2173G>C), located in coding exon 19 of the PLOD1 gene, results from a G to C substitution at nucleotide position 2173. The valine at codon 725 is replaced by leucine, an amino acid with highly similar properties. This amino acid position is well conserved in available vertebrate species. In addition, this alteration is predicted to be tolerated by in silico analysis. Based on the available evidence, the clinical significance of this variant remains unclear.

Labcorp Genetics (formerly Invitae), Labcorp
Classification: Uncertain significance for Ehlers-Danlos syndrome, kyphoscoliotic type 1. Last evaluated: 2021-08-27. Review status: criteria provided, single submitter. Criteria: Invitae Variant Classification Sherloc (09022015). Collection method: clinical testing. Allele origin: germline.
Comment: This sequence change replaces valine with leucine at codon 725 of the PLOD1 protein (p.Val725Leu). The valine residue is moderately conserved and there is a small physicochemical difference between valine and leucine. This variant is present in population databases (rs151247380, ExAC 0.002%). This variant has not been reported in the literature in individuals affected with PLOD1-related conditions. Algorithms developed to predict the effect of missense changes on protein structure and function (SIFT, PolyPhen-2, Align-GVGD) all suggest that this variant is likely to be tolerated. In summary, the available evidence is currently insufficient to determine the role of this variant in disease. Therefore, it has been classified as a Variant of Uncertain Significance.